The following is an entry in ClinVar:

NM_139242.4(MTFMT):c.92G>C (p.Arg31Pro)

Gene: MTFMT (mitochondrial methionyl-tRNA formyltransferase; minus strand). Cytogenetic location: 15q22.31.
Variant type: single nucleotide variant.
Coding change: c.92G>C on transcript NM_139242.4 (MANE Select); coding-DNA position 92, G replaced by C.
Protein change: p.Arg31Pro; replaces arginine 31 with proline.
Molecular consequence: missense variant.
Genome position (GRCh38, 1-based): chr15:65,029,522, C>G on the plus strand (G>C on the coding strand, the complement: MTFMT is on the minus strand). VCF-style: chr15-65029522-C-G. GRCh37 (hg19) VCF-style: chr15-65321860-C-G.
Other names: short protein forms R31P.
Identifiers: ClinVar variation 2354399 (VCV002354399.3), dbSNP rs1385477638, ClinGen allele CA392863074.

ClinVar aggregate classification (germline): Uncertain significance. Review status: criteria provided, multiple submitters, no conflicts (2 of 4 stars). 2 submissions from 2 submitters: Uncertain significance (2). Last evaluated 2025-03-24.

Conditions:
Inborn genetic diseases. Identifiers: MedGen C0950123, MeSH D030342.

Allele frequency attached by ClinVar (database versions not stated): TOPMed 0.00003; gnomAD exomes 0.00004; gnomAD 0.00006.
gnomAD v4.1: 65 of 1,527,920 alleles (0.0043%); highest among the groups gnomAD compares: Non-Finnish European, 0.0056%; no homozygotes.

Submissions (2):

Labcorp Genetics (formerly Invitae), Labcorp
Classification: Uncertain significance. Last evaluated: 2025-03-24. Review status: criteria provided, single submitter. Criteria: Invitae Variant Classification Sherloc (09022015). Collection method: clinical testing. Allele origin: germline.
Comment: This sequence change replaces arginine, which is basic and polar, with proline, which is neutral and non-polar, at codon 31 of the MTFMT protein (p.Arg31Pro). This variant is present in population databases (no rsID available, gnomAD 0.02%). This variant has not been reported in the literature in individuals affected with MTFMT-related conditions. ClinVar contains an entry for this variant (Variation ID: 2354399). Invitae Evidence Modeling of protein sequence and biophysical properties (such as structural, functional, and spatial information, amino acid conservation, physicochemical variation, residue mobility, and thermodynamic stability) indicates that this missense variant is not expected to disrupt MTFMT protein function with a negative predictive value of 95%. In summary, the available evidence is currently insufficient to determine the role of this variant in disease. Therefore, it has been classified as a Variant of Uncertain Significance.

Ambry Genetics
Classification: Uncertain significance for Inborn genetic diseases. Last evaluated: 2022-05-09. Review status: criteria provided, single submitter. Criteria: Ambry Variant Classification Scheme 2023. Collection method: clinical testing. Allele origin: germline.